The following is an entry in ClinVar:

NM_198569.3(ADGRG6):c.1119C>T (p.Asp373=)

Gene: ADGRG6 (adhesion G protein-coupled receptor G6; plus strand). Cytogenetic location: 6q24.2.
Variant type: single nucleotide variant.
Coding change: c.1119C>T on transcript NM_198569.3 (MANE Select); coding-DNA position 1119, C replaced by T.
Protein change: p.Asp373=; no amino-acid change (aspartic acid 373 retained).
Molecular consequence: synonymous variant.
Genome position (GRCh38, 1-based): chr6:142,382,000, C>T. VCF-style: chr6-142382000-C-T. GRCh37 (hg19) VCF-style: chr6-142703137-C-T.
Other names: c.1119C>T, p.Asp373= (NM_001032394.3, NM_001032395.3, NM_020455.6).
Identifiers: ClinVar variation 1288533 (VCV001288533.3), dbSNP rs2143390, ClinGen allele CA4026796.

ClinVar aggregate classification (germline): Benign. Review status: criteria provided, single submitter (1 of 4 stars). 2 submissions from 2 submitters: Benign (1). 1 of the submissions does not count toward it. Last evaluated 2021-05-04.

Conditions:
ADGRG6-related disorder. Also called: ADGRG6-related condition.

Allele frequency attached by ClinVar (database versions not stated): ESP Exome Variant Server 0.06404; gnomAD 0.06837 and 0.07130; TOPMed 0.07277; gnomAD exomes 0.08513 and 0.09138; 1000 Genomes Project 30x 0.09588; 1000 Genomes Project 0.09924; ExAC 0.12068.
gnomAD v4.1: 134,763 of 1,601,850 alleles (8.4%); highest among the groups gnomAD compares: East Asian, 23%; 6,662 homozygotes.

Submissions (2):

GeneDx
Classification: Benign. Last evaluated: 2021-05-04. Review status: criteria provided, single submitter. Criteria: GeneDx Variant Classification Process June 2021. Collection method: clinical testing. Allele origin: germline. Affected: yes.

PreventionGenetics, part of Exact Sciences
Classification: Benign for ADGRG6-related condition. Last evaluated: 2019-10-21. Review status: no assertion criteria provided. Collection method: clinical testing. Allele origin: germline. Not counted in ClinVar's aggregate classification.
Comment: This variant is classified as benign based on ACMG/AMP sequence variant interpretation guidelines (Richards et al. 2015 PMID: 25741868, with internal and published modifications).